The following is an entry in ClinVar:

NM_000069.3(CACNA1S):c.3781A>G (p.Ile1261Val)

Gene: CACNA1S (calcium voltage-gated channel subunit alpha1 S; minus strand). Cytogenetic location: 1q32.1.
Variant type: single nucleotide variant.
Coding change: c.3781A>G on transcript NM_000069.3 (MANE Select); coding-DNA position 3781, A replaced by G.
Protein change: p.Ile1261Val; replaces isoleucine 1261 with valine.
Molecular consequence: missense variant.
Genome position (GRCh38, 1-based): chr1:201,053,473, T>C on the plus strand (A>G on the coding strand, the complement: CACNA1S is on the minus strand). VCF-style: chr1-201053473-T-C. GRCh37 (hg19) VCF-style: chr1-201022601-T-C.
Other names: short protein forms I1261V.
Identifiers: ClinVar variation 3070276 (VCV003070276.1), dbSNP rs749331846, ClinGen allele CA082817.

ClinVar aggregate classification (germline): Uncertain significance (1 of 4 stars; one submission).

Conditions:
Malignant hyperthermia, susceptibility to, 5 (MHS5). Also called: CACNA1S-Related Malignant Hyperthermia Susceptibility. Identifiers: Orphanet 423, MedGen C1866077, MONDO:0011163, OMIM 601887.

Allele frequency attached by ClinVar (database versions not stated): gnomAD exomes below 0.00001; ExAC 0.00001.
gnomAD v4.1: 6 of 1,614,148 alleles (0.00037%); highest among the groups gnomAD compares: Non-Finnish European, 0.00051%; no homozygotes.

Submission:

All of Us Research Program, National Institutes of Health
Classification: Uncertain significance for Malignant hyperthermia, susceptibility to, 5. Last evaluated: 2023-04-03. Review status: criteria provided, single submitter. Criteria: ACMG Guidelines, 2015. Collection method: clinical testing. Allele origin: germline. Inheritance: Autosomal dominant inheritance. Observed: 1 variant allele, 1 heterozygote.
Comment: This missense variant replaces isoleucine with valine at codon 1261 of the CACNA1S protein. Computational prediction is inconclusive regarding the impact of this variant on protein structure and function (internally defined REVEL score threshold 0.5 < inconclusive < 0.7, PMID: 27666373). To our knowledge, functional studies have not been reported for this variant. This variant has not been reported in individuals affected with CACNA1S-related disorders in the literature. This variant has been identified in 1/251422 chromosomes in the general population by the Genome Aggregation Database (gnomAD). The available evidence is insufficient to determine the role of this variant in disease conclusively. Therefore, this variant is classified as a Variant of Uncertain Significance.

This study involves interpretation of variants in research participants for the purpose of population health screening. Participant phenotype was not available at the time of variant classification. Additional details can be found in publication PMID: 35346344, PMCID: PMC8962531